The following is an entry in ClinVar:

NM_000463.3(UGT1A1):c.1060T>A (p.Trp354Arg)

Genes: UGT1A (UDP glucuronosyltransferase family 1 member A complex locus; plus strand), UGT1A1 (UDP glucuronosyltransferase family 1 member A1; plus strand), UGT1A10 (UDP glucuronosyltransferase family 1 member A10; plus strand), UGT1A3 (UDP glucuronosyltransferase family 1 member A3; plus strand), UGT1A4 (UDP glucuronosyltransferase family 1 member A4; plus strand) and 5 more. Cytogenetic location: 2q37.1.
Variant type: single nucleotide variant.
Coding change: c.1060T>A on transcript NM_000463.3 (MANE Select); coding-DNA position 1060, T replaced by A.
Protein change: p.Trp354Arg; replaces tryptophan 354 with arginine.
Molecular consequence: missense variant.
Genome position (GRCh38, 1-based): chr2:233,767,912, T>A. VCF-style: chr2-233767912-T-A. GRCh37 (hg19) VCF-style: chr2-234676558-T-A.
Other names: c.1051T>A, p.Trp351Arg (NM_019075.4, NM_019076.5, NM_019077.3 and 1 more transcripts); c.1057T>A, p.Trp353Arg (NM_001072.4); c.256T>A, p.Trp86Arg (NM_205862.3); c.1063T>A, p.Trp355Arg (NM_019078.2, NM_007120.3, NM_019093.4); short protein forms W354R, W86R, W351R, W355R, W353R.
Identifiers: ClinVar variation 597089 (VCV000597089.9), dbSNP rs1559414817, ClinGen allele CA351073300.

ClinVar aggregate classification (germline): Conflicting classifications of pathogenicity. Review status: criteria provided, conflicting classifications (1 of 4 stars). 3 submissions from 3 submitters: Pathogenic (1); Uncertain significance (2). Last evaluated 2024-05-30.

Allele frequency attached by ClinVar (database versions not stated): gnomAD exomes below 0.00001.
gnomAD v4.1: 4 of 1,614,202 alleles (0.00025%); highest among the groups gnomAD compares: Non-Finnish European, 0.00034%; no homozygotes.

Submissions (3):

Women's Health and Genetics/Laboratory Corporation of America, LabCorp
Classification: Uncertain significance. Last evaluated: 2024-05-30. Review status: criteria provided, single submitter. Criteria: LabCorp Variant Classification Summary - May 2015. Collection method: clinical testing. Allele origin: germline.
Comment: Variant summary: UGT1A1 c.1060T>A (p.Trp354Arg) results in a non-conservative amino acid change in the encoded protein sequence. Three of three in-silico tools predict a damaging effect of the variant on protein function. The variant was absent in 249056 control chromosomes (gnomAD). The available data on variant occurrences in the general population are insufficient to allow any conclusion about variant significance. c.1060T>A has been reported in the literature in an individuals affected with features of Crigler-Najjar syndrome (D'Apolito_2007). These data do not allow any conclusion about variant significance. To our knowledge, no experimental evidence demonstrating an impact on protein function has been reported. The following publication has been ascertained in the context of this evaluation (PMID: 17229650). ClinVar contains an entry for this variant (Variation ID: 597089). Based on the evidence outlined above, the variant was classified as uncertain significance.

Institute for Clinical Genetics, University Hospital TU Dresden, University Hospital TU Dresden
Classification: Pathogenic. Last evaluated: 2021-11-03. Review status: criteria provided, single submitter. Criteria: ACMG Guidelines, 2015. Collection method: clinical testing. Allele origin: germline.

Eurofins Ntd Llc (ga)
Classification: Uncertain significance. Last evaluated: 2018-05-04. Review status: criteria provided, single submitter. Criteria: EGL ClinVar v180209 classification definitions. Collection method: clinical testing. Allele origin: germline. Observed: 1 variant allele, 1 heterozygote.

Literature cited by the submitters: PubMed 17229650 (cited by Women's Health and Genetics/Laboratory Corporation of America, LabCorp).